The following is an entry in ClinVar:

ClinVar aggregate classification (germline): Pathogenic. Review status: criteria provided, multiple submitters, no conflicts (2 of 4 stars). 2 submissions from 2 submitters: Pathogenic (2). Last evaluated 2026-09-18.

Conditions:
Hereditary cancer-predisposing syndrome. Also called: Hereditary neoplastic syndrome; Neoplastic Syndromes, Hereditary; Tumor predisposition; Hereditary Cancer Syndrome. Identifiers: Orphanet 140162, MedGen C0027672, MeSH D009386, MONDO:0015356.
Lynch syndrome 5 (LYNCH5). Also called: Hereditary non-polyposis colorectal cancer, type 5; Colorectal cancer, hereditary nonpolyposis, type 5. Identifiers: Orphanet 144, MedGen C1833477, MONDO:0013710, OMIM 614350. Disease mechanism: loss of function.

Submissions (2):

Myriad Genetics, Inc.
Classification: Pathogenic for Lynch syndrome 5. Last evaluated: 2026-09-18. Review status: criteria provided, single submitter. Criteria: Myriad Autosomal Dominant, Autosomal Recessive and X-Linked Classification Criteria (2023). Collection method: clinical testing. Allele origin: unknown.
Comment: This variant is considered pathogenic. This variant creates a frameshift predicted to result in premature protein truncation.

Ambry Genetics
Classification: Pathogenic for Hereditary cancer-predisposing syndrome. Last evaluated: 2020-01-16. Review status: criteria provided, single submitter. Criteria: Ambry Variant Classification Scheme 2023. Collection method: clinical testing. Allele origin: germline.
Comment: The c.3562dupA pathogenic mutation, located in coding exon 7 of the MSH6 gene, results from a duplication of A at nucleotide position 3562, causing a translational frameshift with a predicted alternate stop codon (p.S1188Kfs*6). This alteration is expected to result in loss of function by premature protein truncation or nonsense-mediated mRNA decay. As such, this alteration is interpreted as a disease-causing mutation.

NM_000179.3(MSH6):c.3562dup (p.Ser1188fs)

Gene: MSH6 (mutS homolog 6; plus strand). Cytogenetic location: 2p16.3.
Variant type: Duplication.
Coding change: c.3562dup on transcript NM_000179.3 (MANE Select); coding-DNA position 3562, one base duplicated (A; older notation c.3562dupA).
Protein change: p.Ser1188fs; shifts the reading frame from serine 1188.
Molecular consequence: frameshift variant.
Genome position (GRCh38, 1-based): chr2:47,805,623, A duplicated; the last of 3 consecutive A bases (chr2:47,805,621-47,805,623); duplicating any one gives the same sequence. VCF-style (leftmost placement, unchanged base first): chr2-47805620-G-GA. GRCh37 (hg19) VCF-style: chr2-48032759-G-GA.
Other names: c.3562dupA (NM_000179.2); c.3172dup, p.Ser1058fs (NM_001281492.2); c.2656dup, p.Ser886fs (NM_001281493.2, NM_001281494.2); c.3658dup, p.Ser1220Lysfs (NM_001406795.1, NM_001406802.1); c.3562dup, p.Ser1188Lysfs (NM_001406796.1, NM_001406800.1, NM_001406808.1 and 1 more transcripts); c.3265dup, p.Ser1089Lysfs (NM_001406797.1, NM_001406801.1, NM_001406805.1 and 10 more transcripts); c.3388dup, p.Ser1130Lysfs (NM_001406798.1); c.3037dup, p.Ser1013Lysfs (NM_001406799.1, NM_001406806.1, NM_001406807.1); and 9 more; short protein forms S1058fs, S1188fs, S886fs.
Identifiers: ClinVar variation 1732721 (VCV001732721.3), dbSNP rs1553332622, ClinGen allele CA2580067228.